The following is an entry in ClinVar:

ClinVar aggregate classification (germline): Likely pathogenic (1 of 4 stars; one submission).

Conditions:
Dilated cardiomyopathy 1G (CMD1G). Identifiers: Orphanet 154, MedGen C1858763, MONDO:0011400, OMIM 604145.

Submission:

Victorian Clinical Genetics Services, Murdoch Childrens Research Institute
Classification: Likely pathogenic for Dilated cardiomyopathy 1G. Last evaluated: 2024-09-21. Review status: criteria provided, single submitter. Criteria: ACMG Guidelines, 2015. Collection method: clinical testing. Allele origin: germline. Inheritance: Autosomal dominant inheritance. Affected: yes.
Comment: Based on the classification scheme VCGS_Germline_v1.3.4, this variant is classified as Likely pathogenic. Following criteria are met: 0102 - Loss of function is known mechanism of disease in this gene. In addition, dominant-negative is also a suggested mechanism. (PMID: 25589632). (I) 0108 - This gene is associated with both recessive and dominant disease (OMIM). (I) 0112 - The condition associated with this gene has incomplete penetrance. Variants in this gene that result in a premature truncating codon (PTC) are known to have reduced penetrance in DCM (PMID: 25589632). (I) 0209 - Splice site variant proven to affect splicing of the transcript with uncertain effect on protein sequence. A mini-gene assay has shown that this variant results in intron 275 retention, p.(Ser17569Cysfs*3), which is predicted to cause nonsense-mediated decay (NMD), while no correctly spliced products have been detected (personal communication with Victor Chang Cardiac Research Institute). The intron retention has been detected at a lower level in the wildtype control. Note that the assay is not quantitative. (SP) 0251 - This variant is heterozygous. (I) 0301 - Variant is absent from gnomAD (both v2 and v3). (SP) 0600 - Both exons 275 and 276 are located in the annotated A-band, with PSI score of 100% (PMID: 25589632). (I) 0702 - Other NMD-predicted variants comparable to the one identified in this case have strong previous evidence for pathogenicity (ClinVar). c.52705+1G>T has been reported as likely pathogenic, however no clinical information was provided (LOVD). (SP) 0807 - This variant has no previous evidence of pathogenicity. (I) 0905 - No published segregation evidence has been identified for this variant. (I) 1007 - No published functional evidence has been identified for this variant. (I) 1208 - Inheritance information for this variant is not currently available in this individual. (I) Legend: (SP) - Supporting pathogenic, (I) - Information, (SB) - Supporting benign

Literature cited by the submitters: PubMed 25589632.

NM_001267550.2(TTN):c.52705+1G>A

Genes: TTN-AS1 (TTN antisense RNA 1; plus strand), TTN (titin; minus strand), LOC126806425 (BRD4-independent group 4 enhancer GRCh37_chr2:179471933-179473132; plus strand). Cytogenetic location: 2q31.2.
Variant type: single nucleotide variant.
Coding change: c.52705+1G>A on transcript NM_001267550.2 (MANE Select); the canonical splice donor site of the intron after coding-DNA position 52705, G replaced by A.
Molecular consequence: splice donor variant. On other transcripts: non-coding transcript variant (1).
Genome position (GRCh38, 1-based): chr2:178,608,177, C>T on the plus strand (G>A on the coding strand, the complement: TTN is on the minus strand). VCF-style: chr2-178608177-C-T. GRCh37 (hg19) VCF-style: chr2-179472904-C-T.
Other names: c.25510+1G>A (NM_003319.4); c.26086+1G>A (NM_133437.4); c.25885+1G>A (NM_133432.3); c.45001+1G>A (NM_133378.4); c.47782+1G>A (NM_001256850.1).
Identifiers: ClinVar variation 3376664 (VCV003376664.1).